The following is an entry in ClinVar:

NM_001110556.2(FLNA):c.7452C>T (p.Arg2484=)

Gene: FLNA (filamin A; minus strand). Cytogenetic location: Xq28.
Variant type: single nucleotide variant.
Coding change: c.7452C>T on transcript NM_001110556.2 (MANE Select); coding-DNA position 7452, C replaced by T.
Protein change: p.Arg2484=; no amino-acid change (arginine 2484 retained).
Molecular consequence: synonymous variant.
Genome position (GRCh38, 1-based): chrX:154,349,749, G>A on the plus strand (C>T on the coding strand, the complement: FLNA is on the minus strand). VCF-style: chrX-154349749-G-A. GRCh37 (hg19) VCF-style: chrX-153578117-G-A.
Other names: p.Arg2476=; c.7428C>T, p.Arg2476= (NM_001456.4).
Identifiers: ClinVar variation 1080822 (VCV001080822.15), dbSNP rs782320498, ClinGen allele CA10559888.
Genomic context (GRCh38, chrX:154,349,749, plus strand): 5'-GGGGCCGCCGTACTTGATGGAGATGAGGTAGCTGCCAGGTGCCATGGGGGTATAGGTGAC[G>A]CGGTAGCCCTCAGGGCACTCCTGGCAATCCATCTTCACCTTGGAGGGGCCGTCAATGGTC-3'
Protein context (NP_001104026.1, residues 2474-2494): MDCQECPEGY[Arg2484=]VTYTPMAPGS

ClinVar aggregate classification (germline): Likely benign. Review status: criteria provided, multiple submitters, no conflicts (2 of 4 stars). 5 submissions from 5 submitters: Likely benign (5). Last evaluated 2025-12-01.

Conditions:
Familial thoracic aortic aneurysm and aortic dissection (TAAD). Also called: Thoracic aortic aneurysms and dissections. Identifiers: Orphanet 91387, MedGen C4707243, MONDO:0019625.
Heterotopia, periventricular, X-linked dominant (PVNH1). Also called: PERIVENTRICULAR NODULAR HETEROTOPIA 1; X-linked periventricular heterotopia; PERIVENTRICULAR NODULAR HETEROTOPIA 4; HETEROTOPIA, PERIVENTRICULAR, 1. Identifiers: Orphanet 2149, Orphanet 82004, MedGen C1848213, MONDO:0010233, OMIM 300049.
Oto-palato-digital syndrome, type II (OPD2). Also called: OPD II SYNDROME; FACIOPALATOOSSEOUS SYNDROME; Otopalatodigital Syndrome, Type II; Otopalatodigital Syndrome Type 2 (FLNA-OPD2). Identifiers: Orphanet 669, Orphanet 90652, MedGen C1844696, MONDO:0010571, OMIM 304120.
Melnick-Needles syndrome (MNS). Also called: MELNICK-NEEDLES OSTEODYSPLASTY; OSTEODYSPLASTY OF MELNICK AND NEEDLES; Melnick-Needles Syndrome (FLNA-MNS). Identifiers: Orphanet 2484, MedGen C0025237, MONDO:0010650, OMIM 309350.
Frontometaphyseal dysplasia (FMD1). Identifiers: Orphanet 1826, MedGen C0265293, MONDO:0015942.

Allele frequency attached by ClinVar (database versions not stated): ExAC 0.00001; gnomAD exomes 0.00001; gnomAD 0.00002 and 0.00004; TOPMed 0.00002; 1000 Genomes Project 0.00053; 1000 Genomes Project 30x 0.00062.
gnomAD v4.1: 11 of 1,210,415 alleles (0.00091%); highest among the groups gnomAD compares: Admixed American, 0.017%; no homozygotes.

Submissions (5):

Labcorp Genetics (formerly Invitae), Labcorp
Classification: Likely benign for Oto-palato-digital syndrome, type II; Heterotopia, periventricular, X-linked dominant; Frontometaphyseal dysplasia; Melnick-Needles syndrome. Last evaluated: 2025-12-01. Review status: criteria provided, single submitter. Criteria: Invitae Variant Classification Sherloc (09022015). Collection method: clinical testing. Allele origin: germline.

Mayo Clinic Laboratories, Mayo Clinic
Classification: Likely benign. Last evaluated: 2025-07-23. Review status: criteria provided, single submitter. Criteria: ACMG Guidelines, 2015. Collection method: clinical testing. Allele origin: germline. Observed: 1 variant allele.
Comment: BP4, BP7, PM2_supporting

Women's Health and Genetics/Laboratory Corporation of America, LabCorp
Classification: Likely benign. Last evaluated: 2023-07-21. Review status: criteria provided, single submitter. Criteria: LabCorp Variant Classification Summary - May 2015. Collection method: clinical testing. Allele origin: germline.

GeneDx
Classification: Likely benign. Last evaluated: 2018-11-24. Review status: criteria provided, single submitter. Criteria: GeneDx Variant Classification Process June 2021. Collection method: clinical testing. Allele origin: germline. Affected: yes.

Ambry Genetics
Classification: Likely benign for Familial thoracic aortic aneurysm and aortic dissection. Last evaluated: 2018-06-21. Review status: criteria provided, single submitter. Criteria: Ambry Variant Classification Scheme 2023. Collection method: clinical testing. Allele origin: germline.